The following is an entry in ClinVar:

ClinVar aggregate classification (germline): Uncertain significance (1 of 4 stars; one submission).

Allele frequency attached by ClinVar (database versions not stated): gnomAD exomes 0.00001 and 0.00002; ExAC 0.00002; ESP Exome Variant Server 0.00008.
gnomAD v4.1: 22 of 1,613,142 alleles (0.0014%); highest among the groups gnomAD compares: Middle Eastern, 0.017%; no homozygotes.

Submission:

Labcorp Genetics (formerly Invitae), Labcorp
Classification: Uncertain significance. Last evaluated: 2021-09-24. Review status: criteria provided, single submitter. Criteria: Invitae Variant Classification Sherloc (09022015). Collection method: clinical testing. Allele origin: germline.
Comment: This sequence change replaces glutamine with arginine at codon 33 of the IL2RB protein (p.Gln33Arg). The glutamine residue is weakly conserved and there is a small physicochemical difference between glutamine and arginine. This variant is present in population databases (rs147889445, ExAC 0.01%). This variant has not been reported in the literature in individuals with IL2RB-related conditions. Algorithms developed to predict the effect of missense changes on protein structure and function output the following: SIFT: "Tolerated"; PolyPhen-2: "Benign"; Align-GVGD: "Class C0". The arginine amino acid residue is found in multiple mammalian species, suggesting that this missense change does not adversely affect protein function. These predictions have not been confirmed by published functional studies and their clinical significance is uncertain. In summary, the available evidence is currently insufficient to determine the role of this variant in disease. Therefore, it has been classified as a Variant of Uncertain Significance.

NM_000878.5(IL2RB):c.98A>G (p.Gln33Arg)

Gene: IL2RB (interleukin 2 receptor subunit beta; minus strand). Cytogenetic location: 22q12.3.
Variant type: single nucleotide variant.
Coding change: c.98A>G on transcript NM_000878.5 (MANE Select); coding-DNA position 98, A replaced by G.
Protein change: p.Gln33Arg; replaces glutamine 33 with arginine.
Molecular consequence: missense variant.
Genome position (GRCh38, 1-based): chr22:37,143,626, T>C on the plus strand (A>G on the coding strand, the complement: IL2RB is on the minus strand). VCF-style: chr22-37143626-T-C. GRCh37 (hg19) VCF-style: chr22-37539666-T-C.
Other names: c.98A>G, p.Gln33Arg (NM_001346222.1, NM_001346223.2); short protein forms Q33R.
Identifiers: ClinVar variation 1348030 (VCV001348030.5), dbSNP rs147889445, ClinGen allele CA10216745.
Genomic context (GRCh38, chr22:37,143,626, plus strand): 5'-GCCCCATCTTGGCTCCAGACACAGGAGATGTTGGCTCTCGAGTTGTAGAAGCATGTGAAC[T>C]GGGAAGTGCCTGCCGGGCAAGATGAGGTGTGAGTGCTGACTGTAGGTGCCCACAGCCCCC-3'
Protein context (NP_000869.1, residues 23-43): WASAAVNGTS[Gln33Arg]FTCFYNSRAN